The following is an entry in ClinVar:

ClinVar aggregate classification (germline): Likely benign (1 of 4 stars; one submission).

Conditions:
Wiskott-Aldrich syndrome 2 (WAS2). Also called: WIPF1 DEFICIENCY. Identifiers: Orphanet 906, MedGen C3281001, MONDO:0013779, OMIM 614493.

Submission:

Centre for Medical Genetics,  Mumbai
Classification: Likely benign for Wiskott-Aldrich syndrome 2. Last evaluated: 2026-03-02. Review status: criteria provided, single submitter. Criteria: ACMG Guidelines, 2015. Collection method: provider interpretation. Allele origin: germline. Inheritance: Autosomal recessive inheritance. Affected: no. Observed: 1 variant allele, 1 homozygote.
Comment: The variant satisfies PM2 criteria; Extremely low frequency in gnomAD population databases. The variant satisfies BP4 criteria; For a missense or a splice region variant, computational prediction tools unanimously support a benign effect on the gene. However, the variant satisfies BS2 criteria.

Literature cited by the submitters: PubMed 22231303.

NM_001375834.1(WIPF1):c.1069C>A (p.Leu357Ile)

Gene: WIPF1 (WAS/WASL interacting protein family member 1; minus strand). Cytogenetic location: 2q31.1.
Variant type: single nucleotide variant.
Coding change: c.1069C>A on transcript NM_001375834.1 (MANE Select); coding-DNA position 1069, C replaced by A.
Protein change: p.Leu357Ile; replaces leucine 357 with isoleucine.
Molecular consequence: missense variant.
Genome position (GRCh38, 1-based): chr2:174,571,736, G>T on the plus strand (C>A on the coding strand, the complement: WIPF1 is on the minus strand). VCF-style: chr2-174571736-G-T. GRCh37 (hg19) VCF-style: chr2-175436464-G-T.
Other names: c.1069C>A, p.Leu357Ile (NM_001077269.1, NM_001375832.1, NM_001375833.1 and 5 more transcripts); c.691C>A, p.Leu231Ile (NM_001375839.1); short protein forms L231I, L357I.
Identifiers: ClinVar variation 4814246 (VCV004814246.1).